The following is an entry in ClinVar:

ClinVar aggregate classification (germline): Uncertain significance (1 of 4 stars; one submission).

Conditions:
Early-infantile DEE. Also called: Early infantile epileptic encephalopathy; Early infantile epileptic encephalopathy with suppression bursts; Ohtahara syndrome. Identifiers: Orphanet 1934, MedGen C0393706, MONDO:0800491.

Submission:

Labcorp Genetics (formerly Invitae), Labcorp
Classification: Uncertain significance for Early-infantile DEE. Last evaluated: 2023-06-01. Review status: criteria provided, single submitter. Criteria: Invitae Variant Classification Sherloc (09022015). Collection method: clinical testing. Allele origin: germline.
Comment: This sequence change replaces glutamic acid, which is acidic and polar, with lysine, which is basic and polar, at codon 594 of the SCN1A protein (p.Glu594Lys). This variant is not present in population databases (gnomAD no frequency). This variant has not been reported in the literature in individuals affected with SCN1A-related conditions. Advanced modeling of protein sequence and biophysical properties (such as structural, functional, and spatial information, amino acid conservation, physicochemical variation, residue mobility, and thermodynamic stability) performed at Invitae indicates that this missense variant is expected to disrupt SCN1A protein function. In summary, the available evidence is currently insufficient to determine the role of this variant in disease. Therefore, it has been classified as a Variant of Uncertain Significance.

NM_001165963.4(SCN1A):c.1780G>A (p.Glu594Lys)

Gene: SCN1A (sodium voltage-gated channel alpha subunit 1; minus strand). Cytogenetic location: 2q24.3.
Variant type: single nucleotide variant.
Coding change: c.1780G>A on transcript NM_001165963.4 (MANE Select); coding-DNA position 1780, G replaced by A.
Protein change: p.Glu594Lys; replaces glutamic acid 594 with lysine.
Molecular consequence: missense variant. On other transcripts: 5 prime UTR variant (1), non-coding transcript variant (1).
Genome position (GRCh38, 1-based): chr2:166,043,932, C>T on the plus strand (G>A on the coding strand, the complement: SCN1A is on the minus strand). VCF-style: chr2-166043932-C-T. GRCh37 (hg19) VCF-style: chr2-166900442-C-T.
Other names: c.1780G>A, p.Glu594Lys (NM_001165964.3, NM_001202435.3, NM_001353948.2 and 7 more transcripts); c.1777G>A, p.Glu593Lys (NM_001353954.2, NM_001353955.2, NM_001353960.2); c.-646G>A (NM_001353961.2); short protein forms E593K, E594K.
Identifiers: ClinVar variation 2812586 (VCV002812586.3), dbSNP rs1553544844, ClinGen allele CA349067718.